The following is an entry in ClinVar:

NM_020911.2(PLXNA4):c.1278G>A (p.Thr426=)

Gene: PLXNA4 (plexin A4; minus strand). Cytogenetic location: 7q32.3.
Variant type: single nucleotide variant.
Coding change: c.1278G>A on transcript NM_020911.2 (MANE Select); coding-DNA position 1278, G replaced by A.
Protein change: p.Thr426=; no amino-acid change (threonine 426 retained).
Molecular consequence: synonymous variant.
Genome position (GRCh38, 1-based): chr7:132,489,385, C>T on the plus strand (G>A on the coding strand, the complement: PLXNA4 is on the minus strand). VCF-style: chr7-132489385-C-T. GRCh37 (hg19) VCF-style: chr7-132174144-C-T.
Other names: c.1278G>A, p.Thr426= (NM_001105543.2, NM_001393897.1, NM_181775.4).
Identifiers: ClinVar variation 3353330 (VCV003353330.1).

ClinVar aggregate classification (germline): Likely benign (0 of 4 stars; one submission).

Conditions:
PLXNA4-related disorder. Also called: PLXNA4-related condition.

gnomAD v4.1: 8 of 1,606,530 alleles (0.0005%); highest among the groups gnomAD compares: African/African-American, 0.0013%; no homozygotes.

Submission:

PreventionGenetics, part of Exact Sciences
Classification: Likely benign for PLXNA4-related condition. Last evaluated: 2023-10-17. Review status: no assertion criteria provided. Collection method: clinical testing. Allele origin: germline.
Comment: This variant is classified as likely benign based on ACMG/AMP sequence variant interpretation guidelines (Richards et al. 2015 PMID: 25741868, with internal and published modifications).